The following is an entry in ClinVar:

NM_001382637.1(OTUD7A):c.339G>A (p.Arg113=)

Gene: OTUD7A (OTU deubiquitinase 7A; minus strand). Cytogenetic location: 15q13.3.
Variant type: single nucleotide variant.
Coding change: c.339G>A on transcript NM_001382637.1 (MANE Select); coding-DNA position 339, G replaced by A.
Protein change: p.Arg113=; no amino-acid change (arginine 113 retained).
Molecular consequence: synonymous variant.
Genome position (GRCh38, 1-based): chr15:31,559,180, C>T on the plus strand (G>A on the coding strand, the complement: OTUD7A is on the minus strand). VCF-style: chr15-31559180-C-T. GRCh37 (hg19) VCF-style: chr15-31851383-C-T.
Other names: c.339G>A, p.Arg113= (NM_001329907.2, NM_130901.3).
Identifiers: ClinVar variation 3041773 (VCV003041773.2), dbSNP rs113499482, ClinGen allele CA7453895.

ClinVar aggregate classification (germline): Benign (0 of 4 stars; one submission).

Conditions:
OTUD7A-related disorder. Also called: OTUD7A-related condition.

Allele frequency attached by ClinVar (database versions not stated): ESP Exome Variant Server 0.00415; 1000 Genomes Project 0.00519; 1000 Genomes Project 30x 0.00547.
gnomAD v4.1: 1,993 of 1,612,978 alleles (0.12%); highest among the groups gnomAD compares: African/African-American, 1.4%; 26 homozygotes.

Submission:

PreventionGenetics, part of Exact Sciences
Classification: Benign for OTUD7A-related condition. Last evaluated: 2019-03-12. Review status: no assertion criteria provided. Collection method: clinical testing. Allele origin: germline.
Comment: This variant is classified as benign based on ACMG/AMP sequence variant interpretation guidelines (Richards et al. 2015 PMID: 25741868, with internal and published modifications).